The following is an entry in ClinVar:

NM_000169.3(GLA):c.1023del (p.Glu341fs)

Genes: GLA (galactosidase alpha; minus strand), RPL36A-HNRNPH2 (RPL36A-HNRNPH2 readthrough; plus strand). Cytogenetic location: Xq22.1.
Variant type: Deletion.
Coding change: c.1023del on transcript NM_000169.3 (MANE Select); coding-DNA position 1023, one base deleted (A; older notation c.1023delA).
Protein change: p.Glu341fs; shifts the reading frame from glutamic acid 341.
Molecular consequence: frameshift variant. On other transcripts: non-coding transcript variant (3), intron variant (2).
Genome position (GRCh38, 1-based): chrX:101,398,076, T deleted on the plus strand (A on the coding strand, the reverse complement: GLA is on the minus strand); the first of 2 consecutive T bases (chrX:101,398,076-101,398,077); deleting either gives the same sequence. VCF-style (leftmost placement, unchanged base first): chrX-101398075-GT-G. GRCh37 (hg19) VCF-style: chrX-100653063-GT-G.
Other names: c.1146del, p.Glu382fs (NM_001406747.1); c.300+2620del (NM_001199973.2); c.177+6255del (NM_001199974.2); short protein forms E341fs, E382fs.
Identifiers: ClinVar variation 291188 (VCV000291188.16), dbSNP rs886044909, ClinGen allele CA10607054.
Genomic context (GRCh38, chrX:101,398,075, plus strand): 5'-GTCCACCAATCTCCTGCCGGTTTATCATAGCTACAGCCCAGGCTAAGCCTGAGAGAGGTC[GT>G]TCCCACACTTCAAAGTTGTCTCCCTGAAAAACCAAGAAAGTGTGGTTGCTTAGCAACTAG-3'

ClinVar aggregate classification (germline): Pathogenic. Review status: criteria provided, multiple submitters, no conflicts (2 of 4 stars). 3 submissions from 3 submitters: Pathogenic (3). Last evaluated 2021-07-15.

Conditions:
Fabry disease. Also called: ALPHA-GALACTOSIDASE A DEFICIENCY; ANDERSON-FABRY DISEASE; CERAMIDE TRIHEXOSIDASE DEFICIENCY; GLA DEFICIENCY; Fabry's disease; Angiokeratoma corporis diffusum. Identifiers: Orphanet 324, MedGen C0002986, MONDO:0010526, OMIM 301500, HP:0001071. Disease mechanism: loss of function, Fabry disease is due to inactivating mutations in the X-linked GLA gene resulting in deficiency of the enzyme Alpha Galactosidase-A..

Submissions (3):

Genome-Nilou Lab
Classification: Pathogenic for Fabry disease. Last evaluated: 2021-07-15. Review status: criteria provided, single submitter. Criteria: ACMG Guidelines, 2015. Collection method: clinical testing. Allele origin: germline. Affected: no.

Labcorp Genetics (formerly Invitae), Labcorp
Classification: Pathogenic for Fabry disease. Last evaluated: 2020-12-22. Review status: criteria provided, single submitter. Criteria: Invitae Variant Classification Sherloc (09022015). Collection method: clinical testing. Allele origin: germline.
Comment: This sequence change creates a premature translational stop signal (p.Glu341Aspfs*7) in the GLA gene. While this is not anticipated to result in nonsense mediated decay, it is expected to disrupt the last 89 amino acid(s) of the GLA protein. This variant is not present in population databases (ExAC no frequency). This variant has not been reported in the literature in individuals with GLA-related conditions. ClinVar contains an entry for this variant (Variation ID: 291188). This variant disrupts the C-terminus of the GLA protein. Other variant(s) that disrupt this region (p.Ser345Argfs*29) have been determined to be pathogenic (PMID: 8931708, 23935525, Invitae). This suggests that variants that disrupt this region of the protein are likely to be causative of disease. For these reasons, this variant has been classified as Pathogenic.

Eurofins Ntd Llc (ga)
Classification: Pathogenic. Last evaluated: 2016-09-14. Review status: criteria provided, single submitter. Criteria: EGL Classification Definitions 2015. Collection method: clinical testing. Allele origin: germline.

Literature cited by the submitters: PubMed 8931708 (cited by Labcorp Genetics (formerly Invitae), Labcorp); PubMed 23935525 (cited by Labcorp Genetics (formerly Invitae), Labcorp).